The following is an entry in ClinVar:

NM_006031.6(PCNT):c.4139C>T (p.Ala1380Val)

Gene: PCNT (pericentrin; plus strand). Cytogenetic location: 21q22.3.
Variant type: single nucleotide variant.
Coding change: c.4139C>T on transcript NM_006031.6 (MANE Select); coding-DNA position 4139, C replaced by T.
Protein change: p.Ala1380Val; replaces alanine 1380 with valine.
Molecular consequence: missense variant.
Genome position (GRCh38, 1-based): chr21:46,391,299, C>T. VCF-style: chr21-46391299-C-T. GRCh37 (hg19) VCF-style: chr21-47811214-C-T.
Other names: c.3785C>T, p.Ala1262Val (NM_001315529.2); short protein forms A1380V, A1262V.
Identifiers: ClinVar variation 159595 (VCV000159595.15), dbSNP rs201139850, ClinGen allele CA251060.

ClinVar aggregate classification (germline): Conflicting classifications of pathogenicity. Review status: criteria provided, conflicting classifications (1 of 4 stars). 4 submissions from 4 submitters: Uncertain significance (1); Benign (1); Likely benign (1). 1 of the submissions does not count toward it. Last evaluated 2024-12-07.

Conditions:
PCNT-related disorder. Also called: PCNT-related condition.
Microcephalic osteodysplastic primordial dwarfism type II (MOPD2). Also called: Microcephalic osteodysplastic primordial dwarfism with tooth abnormalities; MOPD II; OSTEODYSPLASTIC PRIMORDIAL DWARFISM, TYPE II. Identifiers: Orphanet 2637, MedGen C0432246, MONDO:0008872, OMIM 210720.

Allele frequency attached by ClinVar (database versions not stated): gnomAD exomes 0.00008 and 0.00023; ExAC 0.00042; 1000 Genomes Project 0.00060; 1000 Genomes Project 30x 0.00062; gnomAD 0.00080 and 0.00085; TOPMed 0.00087; ESP Exome Variant Server 0.00093.
gnomAD v4.1: 232 of 1,574,726 alleles (0.015%); highest among the groups gnomAD compares: African/African-American, 0.27%; 3 homozygotes.

Submissions (4):

Labcorp Genetics (formerly Invitae), Labcorp
Classification: Benign. Last evaluated: 2024-12-07. Review status: criteria provided, single submitter. Criteria: Invitae Variant Classification Sherloc (09022015). Collection method: clinical testing. Allele origin: germline.

GeneDx
Classification: Likely benign. Last evaluated: 2017-07-20. Review status: criteria provided, single submitter. Criteria: GeneDx Variant Classification (06012015). Collection method: clinical testing. Allele origin: germline. Affected: yes.
Comment: This variant is considered likely benign or benign based on one or more of the following criteria: it is a conservative change, it occurs at a poorly conserved position in the protein, it is predicted to be benign by multiple in silico algorithms, and/or has population frequency not consistent with disease.

Genetic Services Laboratory, University of Chicago
Classification: Uncertain significance for Microcephalic osteodysplastic primordial dwarfism, type II. Last evaluated: 2014-03-18. Review status: criteria provided, single submitter. Criteria: ACMG Guidelines, 2007. Collection method: clinical testing. Allele origin: germline. Inheritance: Autosomal recessive inheritance.

PreventionGenetics, part of Exact Sciences
Classification: Likely benign for PCNT-related condition. Last evaluated: 2021-09-29. Review status: no assertion criteria provided. Collection method: clinical testing. Allele origin: germline. Not counted in ClinVar's aggregate classification.
Comment: This variant is classified as likely benign based on ACMG/AMP sequence variant interpretation guidelines (Richards et al. 2015 PMID: 25741868, with internal and published modifications).